The following is an entry in ClinVar:

ClinVar aggregate classification (germline): Benign/Likely benign. Review status: criteria provided, multiple submitters, no conflicts (2 of 4 stars). 2 submissions from 2 submitters: Benign (1); Likely benign (1). Last evaluated 2026-01-26.

Allele frequency attached by ClinVar (database versions not stated): 1000 Genomes Project 30x 0.00031; 1000 Genomes Project 0.00040; ExAC 0.00142; gnomAD 0.00150 and 0.00158; gnomAD exomes 0.00166; ESP Exome Variant Server 0.00015; TOPMed 0.00020.
gnomAD v4.1: 1,558 of 1,614,086 alleles (0.097%); highest among the groups gnomAD compares: Non-Finnish European, 0.04%; 11 homozygotes.

Submissions (2):

Labcorp Genetics (formerly Invitae), Labcorp
Classification: Benign. Last evaluated: 2026-01-26. Review status: criteria provided, single submitter. Criteria: Invitae Variant Classification Sherloc (09022015). Collection method: clinical testing. Allele origin: germline.

CeGaT Center for Human Genetics Tuebingen
Classification: Likely benign. Last evaluated: 2025-04-01. Review status: criteria provided, single submitter. Criteria: CeGaT Center For Human Genetics Tuebingen Variant Classification Criteria Version 2. Collection method: clinical testing. Allele origin: germline. Affected: yes. Observed: 1 variant allele.
Comment: RTN4IP1: BS2

NM_032730.5(RTN4IP1):c.130C>A (p.Pro44Thr)

Gene: RTN4IP1 (reticulon 4 interacting protein 1; minus strand). Cytogenetic location: 6q21.
Variant type: single nucleotide variant.
Coding change: c.130C>A on transcript NM_032730.5 (MANE Select); coding-DNA position 130, C replaced by A.
Protein change: p.Pro44Thr; replaces proline 44 with threonine.
Molecular consequence: missense variant. On other transcripts: intron variant (1).
Genome position (GRCh38, 1-based): chr6:106,628,892, G>T on the plus strand (C>A on the coding strand, the complement: RTN4IP1 is on the minus strand). VCF-style: chr6-106628892-G-T. GRCh37 (hg19) VCF-style: chr6-107076767-G-T.
Other names: c.-27+1435C>A (NM_001318746.1); short protein forms P44T.
Identifiers: ClinVar variation 772519 (VCV000772519.18), dbSNP rs150345358, ClinGen allele CA3944582.